The following is an entry in ClinVar:

NM_003690.5(PRKRA):c.795C>T (p.Ser265=)

Genes: CHROMR (cholesterol induced regulator of metabolism RNA; plus strand), PRKRA (protein activator of interferon induced protein kinase EIF2AK2; minus strand). Cytogenetic location: 2q31.2.
Variant type: single nucleotide variant.
Coding change: c.795C>T on transcript NM_003690.5 (MANE Select); coding-DNA position 795, C replaced by T.
Protein change: p.Ser265=; no amino-acid change (serine 265 retained).
Molecular consequence: synonymous variant.
Genome position (GRCh38, 1-based): chr2:178,432,244, G>A on the plus strand (C>T on the coding strand, the complement: PRKRA is on the minus strand). VCF-style: chr2-178432244-G-A. GRCh37 (hg19) VCF-style: chr2-179296971-G-A.
Other names: p.Ser265=; c.762C>T, p.Ser254= (NM_001139517.2); c.720C>T, p.Ser240= (NM_001139518.2); c.456C>T, p.Ser152= (NM_001316362.2).
Identifiers: ClinVar variation 469612 (VCV000469612.51), dbSNP rs150679361, ClinGen allele CA1983709.

ClinVar aggregate classification (germline): Benign. Review status: criteria provided, multiple submitters, no conflicts (2 of 4 stars). 6 submissions from 6 submitters: Benign (6). Last evaluated 2026-09-01.

Conditions:
Dystonia 16 (DYT16). Also called: DYT-PRKRA. Identifiers: Orphanet 210571, MedGen C2677567, MONDO:0012789, OMIM 612067.

Allele frequency attached by ClinVar (database versions not stated): 1000 Genomes Project 0.00280; 1000 Genomes Project 30x 0.00390; gnomAD 0.00662; gnomAD exomes 0.00777; ExAC 0.00782; ESP Exome Variant Server 0.00846.
gnomAD v4.1: 15,369 of 1,613,398 alleles (0.95%); highest among the groups gnomAD compares: Non-Finnish European, 1.1%; 58 homozygotes.

Submissions (6):

CeGaT Center for Human Genetics Tuebingen
Classification: Benign. Last evaluated: 2026-09-01. Review status: criteria provided, single submitter. Criteria: CeGaT Center For Human Genetics Tuebingen Variant Classification Criteria Version 2. Collection method: clinical testing. Allele origin: germline. Affected: yes. Observed: 43 variant alleles.
Comment: PRKRA: BP4, BP7, BS1, BS2

Labcorp Genetics (formerly Invitae), Labcorp
Classification: Benign for Dystonia 16. Last evaluated: 2026-01-14. Review status: criteria provided, single submitter. Criteria: Invitae Variant Classification Sherloc (09022015). Collection method: clinical testing. Allele origin: germline.

Mayo Clinic Laboratories, Mayo Clinic
Classification: Benign. Last evaluated: 2023-03-16. Review status: criteria provided, single submitter. Criteria: ACMG Guidelines, 2015. Collection method: clinical testing. Allele origin: germline. Observed: 12 variant alleles.
Comment: BS1, BS2, BP4, BP7

GeneDx
Classification: Benign. Last evaluated: 2019-08-15. Review status: criteria provided, single submitter. Criteria: GeneDx Variant Classification Process June 2021. Collection method: clinical testing. Allele origin: germline. Affected: yes.
Comment: This variant is associated with the following publications: (PMID: 23814535, 18420150)

Illumina Laboratory Services, Illumina
Classification: Benign for Dystonia 16. Last evaluated: 2018-01-13. Review status: criteria provided, single submitter. Criteria: ICSL Variant Classification Criteria 13 December 2019. Collection method: clinical testing. Allele origin: germline.
Comment: This variant was observed in the ICSL laboratory as part of a predisposition screen in an ostensibly healthy population. It had not been previously curated by ICSL or reported in the Human Gene Mutation Database (HGMD: prior to June 1st, 2018), and was therefore a candidate for classification through an automated scoring system. Utilizing variant allele frequency, disease prevalence and penetrance estimates, and inheritance mode, an automated score was calculated to assess if this variant is too frequent to cause the disease. Based on the score and internal cut-off values, a variant classified as benign is not then subjected to further curation. The score for this variant resulted in a classification of benign for this disease.

Breakthrough Genomics
Classification: Benign. Review status: criteria provided, single submitter. Criteria: ACMG Guidelines, 2015. Collection method: not provided. Allele origin: germline. Inheritance: Autosomal recessive inheritance. Affected: yes.